The following is an entry in ClinVar:

ClinVar aggregate classification (germline): Uncertain significance. Review status: criteria provided, multiple submitters, no conflicts (2 of 4 stars). 2 submissions from 2 submitters: Uncertain significance (2). Last evaluated 2025-01-20.

Conditions:
Inborn genetic diseases. Identifiers: MedGen C0950123, MeSH D030342.
Methylmalonic aciduria and homocystinuria type cblF. Also called: METHYLMALONIC ACIDEMIA AND HOMOCYSTINURIA, cblF TYPE; METHYLMALONIC ACIDURIA DUE TO VITAMIN B12-RELEASE DEFECT; VITAMIN B12 LYSOSOMAL RELEASE DEFECT; VITAMIN B12 STORAGE DISEASE; COBALAMIN F DISEASE; COBALAMIN, DEFECT IN LYSOSOMAL RELEASE OF. Identifiers: Orphanet 79284, MedGen C1848578, MONDO:0010183, OMIM 277380.

Allele frequency attached by ClinVar (database versions not stated): gnomAD exomes 0.00001 and 0.00002; ExAC 0.00002; TOPMed 0.00002; gnomAD 0.00004 and 0.00005.
gnomAD v4.1: 25 of 1,613,864 alleles (0.0015%); highest among the groups gnomAD compares: African/African-American, 0.013%; 1 homozygote.

Submissions (2):

Labcorp Genetics (formerly Invitae), Labcorp
Classification: Uncertain significance for Methylmalonic aciduria and homocystinuria type cblF. Last evaluated: 2025-01-20. Review status: criteria provided, single submitter. Criteria: Invitae Variant Classification Sherloc (09022015). Collection method: clinical testing. Allele origin: germline.
Comment: This sequence change replaces arginine, which is basic and polar, with glutamine, which is neutral and polar, at codon 40 of the LMBRD1 protein (p.Arg40Gln). This variant is present in population databases (rs777374813, gnomAD 0.01%). This variant has not been reported in the literature in individuals affected with LMBRD1-related conditions. ClinVar contains an entry for this variant (Variation ID: 1434356). Invitae Evidence Modeling of protein sequence and biophysical properties (such as structural, functional, and spatial information, amino acid conservation, physicochemical variation, residue mobility, and thermodynamic stability) indicates that this missense variant is not expected to disrupt LMBRD1 protein function with a negative predictive value of 80%. In summary, the available evidence is currently insufficient to determine the role of this variant in disease. Therefore, it has been classified as a Variant of Uncertain Significance.

Ambry Genetics
Classification: Uncertain significance for Inborn genetic diseases. Last evaluated: 2024-11-10. Review status: criteria provided, single submitter. Criteria: Ambry Variant Classification Scheme 2023. Collection method: clinical testing. Allele origin: germline.

NM_018368.4(LMBRD1):c.119G>A (p.Arg40Gln)

Gene: LMBRD1 (LMBR1 domain containing 1; minus strand). Cytogenetic location: 6q13.
Variant type: single nucleotide variant.
Coding change: c.119G>A on transcript NM_018368.4 (MANE Select); coding-DNA position 119, G replaced by A.
Protein change: p.Arg40Gln; replaces arginine 40 with glutamine.
Molecular consequence: missense variant. On other transcripts: 5 prime UTR variant (3).
Genome position (GRCh38, 1-based): chr6:69,790,423, C>T on the plus strand (G>A on the coding strand, the complement: LMBRD1 is on the minus strand). VCF-style: chr6-69790423-C-T. GRCh37 (hg19) VCF-style: chr6-70500315-C-T.
Other names: c.-101G>A (NM_001363722.2, NM_001367271.1, NM_001367272.1); c.119G>A (NM_018368.3); short protein forms R40Q.
Identifiers: ClinVar variation 1434356 (VCV001434356.6), dbSNP rs777374813, ClinGen allele CA3879997.